The following is an entry in ClinVar:

ClinVar aggregate classification (germline): Conflicting classifications of pathogenicity. Review status: criteria provided, conflicting classifications (1 of 4 stars). 5 submissions from 5 submitters: Uncertain significance (1); Likely benign (3). 1 of the submissions does not count toward it. Last evaluated 2026-09-01.

Conditions:
MPDZ-related disorder. Also called: MPDZ-related condition.
Hydrocephalus, nonsyndromic, autosomal recessive 2. Also called: Hydrocephalus, congenital, 2, with or without brain or eye anomalies. Identifiers: Orphanet 2185, MedGen C3554691, MONDO:0014085, OMIM 615219.
Inborn genetic diseases. Identifiers: MedGen C0950123, MeSH D030342.

Allele frequency attached by ClinVar (database versions not stated): 1000 Genomes Project 0.00020; 1000 Genomes Project 30x 0.00047; gnomAD exomes 0.00171 and 0.00253; gnomAD 0.00182 and 0.00192; TOPMed 0.00218; ExAC 0.00224; ESP Exome Variant Server 0.00225.
gnomAD v4.1: 3,978 of 1,608,040 alleles (0.25%); highest among the groups gnomAD compares: Admixed American, 0.38%; 6 homozygotes.

Submissions (5):

CeGaT Center for Human Genetics Tuebingen
Classification: Likely benign. Last evaluated: 2026-09-01. Review status: criteria provided, single submitter. Criteria: CeGaT Center For Human Genetics Tuebingen Variant Classification Criteria Version 2. Collection method: clinical testing. Allele origin: germline. Affected: yes. Observed: 4 variant alleles.
Comment: MPDZ: BP4

Labcorp Genetics (formerly Invitae), Labcorp
Classification: Likely benign. Last evaluated: 2026-01-11. Review status: criteria provided, single submitter. Criteria: Invitae Variant Classification Sherloc (09022015). Collection method: clinical testing. Allele origin: germline.

Ambry Genetics
Classification: Likely benign for Inborn genetic diseases. Last evaluated: 2023-08-04. Review status: criteria provided, single submitter. Criteria: Ambry Variant Classification Scheme 2023. Collection method: clinical testing. Allele origin: germline.

ARUP Laboratories, Molecular Genetics and Genomics, ARUP Laboratories
Classification: Uncertain significance for Hydrocephalus, nonsyndromic, autosomal recessive 2. Review status: criteria provided, single submitter. Criteria: ARUP Molecular Germline Variant Investigation Process 2024. Collection method: clinical testing. Allele origin: germline.

PreventionGenetics, part of Exact Sciences
Classification: Likely benign for MPDZ-related condition. Last evaluated: 2021-04-08. Review status: no assertion criteria provided. Collection method: clinical testing. Allele origin: germline. Not counted in ClinVar's aggregate classification.
Comment: This variant is classified as likely benign based on ACMG/AMP sequence variant interpretation guidelines (Richards et al. 2015 PMID: 25741868, with internal and published modifications).

NM_001378778.1(MPDZ):c.2818A>G (p.Ile940Val)

Gene: MPDZ (multiple PDZ domain crumbs cell polarity complex component; minus strand). Cytogenetic location: 9p23.
Variant type: single nucleotide variant.
Coding change: c.2818A>G on transcript NM_001378778.1 (MANE Select); coding-DNA position 2818, A replaced by G.
Protein change: p.Ile940Val; replaces isoleucine 940 with valine.
Molecular consequence: missense variant.
Genome position (GRCh38, 1-based): chr9:13,176,249, T>C on the plus strand (A>G on the coding strand, the complement: MPDZ is on the minus strand). VCF-style: chr9-13176249-T-C. GRCh37 (hg19) VCF-style: chr9-13176248-T-C.
Other names: c.2818A>G, p.Ile940Val (NM_001261406.2, NM_001261407.2, NM_001330637.2 and 14 more transcripts); c.2818A>G (NM_003829.3); short protein forms I940V.
Identifiers: ClinVar variation 787623 (VCV000787623.36), dbSNP rs139791147, ClinGen allele CA4987355.
Genomic context (GRCh38, chr9:13,176,249, plus strand): 5'-CACTTGGTAAATGAGATTCAGTCCACACTATTGTGTTTTCACATTCATATTGTTGTTCAA[T>C]AGCATTTGCAGGTGTGTAGTCATTTATAGTAAAGCCAGAAGCAGGCCCCATACTTATGTC-3'
Protein context (NP_001365707.1, residues 930-950): TINDYTPANA[Ile940Val]EQQYECENTI